The following is an entry in ClinVar:

ClinVar aggregate classification (germline): Likely benign. Review status: criteria provided, multiple submitters, no conflicts (2 of 4 stars). 2 submissions from 2 submitters: Likely benign (2). Last evaluated 2025-10-09.

Conditions:
Tuberous sclerosis 2 (TSC2). Identifiers: Orphanet 805, MedGen C1860707, MONDO:0013199, OMIM 613254.

Allele frequency attached by ClinVar (database versions not stated): gnomAD 0.00001; TOPMed 0.00001.
gnomAD v4.1: 10 of 1,551,438 alleles (0.00064%); highest among the groups gnomAD compares: African/African-American, 0.0014%; no homozygotes.

Submissions (2):

Labcorp Genetics (formerly Invitae), Labcorp
Classification: Likely benign for Tuberous sclerosis 2. Last evaluated: 2025-10-09. Review status: criteria provided, single submitter. Criteria: Invitae Variant Classification Sherloc (09022015). Collection method: clinical testing. Allele origin: germline.

GeneDx
Classification: Likely benign. Last evaluated: 2017-04-10. Review status: criteria provided, single submitter. Criteria: GeneDx Variant Classification (06012015). Collection method: clinical testing. Allele origin: germline. Affected: yes.
Comment: This variant is considered likely benign or benign based on one or more of the following criteria: it is a conservative change, it occurs at a poorly conserved position in the protein, it is predicted to be benign by multiple in silico algorithms, and/or has population frequency not consistent with disease.

NM_000548.5(TSC2):c.848+20C>T

Gene: TSC2 (TSC complex subunit 2; plus strand). Cytogenetic location: 16p13.3.
Variant type: single nucleotide variant.
Coding change: c.848+20C>T on transcript NM_000548.5 (MANE Select); 20 bases into the intron after coding-DNA position 848, C replaced by T.
Molecular consequence: intron variant.
Genome position (GRCh38, 1-based): chr16:2,057,198, C>T. VCF-style: chr16-2057198-C-T. GRCh37 (hg19) VCF-style: chr16-2107199-C-T.
Other names: c.848+20C>T (NM_001114382.3, NM_021055.3, NM_001370405.1 and 3 more transcripts); c.737+20C>T (NM_001318827.2); c.248+20C>T (NM_001318831.2); c.701+20C>T (NM_001318829.2); c.881+20C>T (NM_001318832.2).
Identifiers: ClinVar variation 508689 (VCV000508689.8), dbSNP rs1459744028, ClinGen allele CA620373207.